The following is an entry in ClinVar:

NM_001261826.3(AP3D1):c.2846G>A (p.Gly949Asp)

Gene: AP3D1 (adaptor related protein complex 3 subunit delta 1; minus strand). Cytogenetic location: 19p13.3.
Variant type: single nucleotide variant.
Coding change: c.2846G>A on transcript NM_001261826.3 (MANE Select); coding-DNA position 2846, G replaced by A.
Protein change: p.Gly949Asp; replaces glycine 949 with aspartic acid.
Molecular consequence: missense variant.
Genome position (GRCh38, 1-based): chr19:2,111,770, C>T on the plus strand (G>A on the coding strand, the complement: AP3D1 is on the minus strand). VCF-style: chr19-2111770-C-T. GRCh37 (hg19) VCF-style: chr19-2111769-C-T.
Other names: c.2810G>A, p.Gly937Asp (NM_001374799.1); c.2660G>A, p.Gly887Asp (NM_003938.8); short protein forms G887D, G937D, G949D.
Identifiers: ClinVar variation 1348266 (VCV001348266.8), dbSNP rs2145021875, ClinGen allele CA403204214.

ClinVar aggregate classification (germline): Uncertain significance (1 of 4 stars; one submission).

Submission:

Labcorp Genetics (formerly Invitae), Labcorp
Classification: Uncertain significance. Last evaluated: 2022-09-13. Review status: criteria provided, single submitter. Criteria: Invitae Variant Classification Sherloc (09022015). Collection method: clinical testing. Allele origin: germline.
Comment: This sequence change replaces glycine, which is neutral and non-polar, with aspartic acid, which is acidic and polar, at codon 949 of the AP3D1 protein (p.Gly949Asp). This variant is not present in population databases (gnomAD no frequency). This variant has not been reported in the literature in individuals affected with AP3D1-related conditions. ClinVar contains an entry for this variant (Variation ID: 1348266). Algorithms developed to predict the effect of missense changes on protein structure and function output the following: SIFT: "Tolerated"; PolyPhen-2: "Benign"; Align-GVGD: "Class C0". The aspartic acid amino acid residue is found in multiple mammalian species, which suggests that this missense change does not adversely affect protein function. In summary, the available evidence is currently insufficient to determine the role of this variant in disease. Therefore, it has been classified as a Variant of Uncertain Significance.